The following is an entry in ClinVar:

ClinVar aggregate classification (germline): Uncertain significance. Review status: criteria provided, single submitter (1 of 4 stars). 2 submissions from 2 submitters: Uncertain significance (1). 1 of the submissions does not count toward it. Last evaluated 2023-05-02.

Conditions:
Inborn genetic diseases. Identifiers: MedGen C0950123, MeSH D030342.
FAT1-related disorder. Also called: FAT1-related condition.

Allele frequency attached by ClinVar (database versions not stated): TOPMed below 0.00001; gnomAD exomes 0.00001; ExAC 0.00002; gnomAD 0.00002.
gnomAD v4.1: 10 of 1,613,814 alleles (0.00062%); highest among the groups gnomAD compares: South Asian, 0.0044%; no homozygotes.

Submissions (2):

Ambry Genetics
Classification: Uncertain significance for Inborn genetic diseases. Last evaluated: 2023-05-02. Review status: criteria provided, single submitter. Criteria: Ambry Variant Classification Scheme 2023. Collection method: clinical testing. Allele origin: germline.

PreventionGenetics, part of Exact Sciences
Classification: Uncertain significance for FAT1-related condition. Last evaluated: 2024-01-26. Review status: no assertion criteria provided. Collection method: clinical testing. Allele origin: germline. Not counted in ClinVar's aggregate classification.
Comment: The FAT1 c.4469T>C variant is predicted to result in the amino acid substitution p.Ile1490Thr. To our knowledge, this variant has not been reported in the literature. This variant is reported in 0.0033% of alleles in individuals of South Asian descent in gnomAD. At this time, the clinical significance of this variant is uncertain due to the absence of conclusive functional and genetic evidence.

NM_005245.4(FAT1):c.4469T>C (p.Ile1490Thr)

Gene: FAT1 (FAT atypical cadherin 1; minus strand). Cytogenetic location: 4q35.2.
Variant type: single nucleotide variant.
Coding change: c.4469T>C on transcript NM_005245.4 (MANE Select); coding-DNA position 4469, T replaced by C.
Protein change: p.Ile1490Thr; replaces isoleucine 1490 with threonine.
Molecular consequence: missense variant.
Genome position (GRCh38, 1-based): chr4:186,628,618, A>G on the plus strand (T>C on the coding strand, the complement: FAT1 is on the minus strand). VCF-style: chr4-186628618-A-G. GRCh37 (hg19) VCF-style: chr4-187549772-A-G.
Other names: short protein forms I1490T.
Identifiers: ClinVar variation 2553229 (VCV002553229.4), dbSNP rs748371496, ClinGen allele CA3166708.